The following is an entry in ClinVar:

NM_016169.4(SUFU):c.601G>C (p.Val201Leu)

Gene: SUFU (SUFU negative regulator of hedgehog signaling; plus strand). Cytogenetic location: 10q24.32.
Variant type: single nucleotide variant.
Coding change: c.601G>C on transcript NM_016169.4 (MANE Select); coding-DNA position 601, G replaced by C.
Protein change: p.Val201Leu; replaces valine 201 with leucine.
Molecular consequence: missense variant.
Genome position (GRCh38, 1-based): chr10:102,593,639, G>C. VCF-style: chr10-102593639-G-C. GRCh37 (hg19) VCF-style: chr10-104353396-G-C.
Other names: c.601G>C, p.Val201Leu (NM_001178133.2); short protein forms V201L.
Identifiers: ClinVar variation 1751122 (VCV001751122.2), dbSNP rs147695965, ClinGen allele CA377909362.

ClinVar aggregate classification (germline): Uncertain significance (1 of 4 stars; one submission).

Conditions:
Hereditary cancer-predisposing syndrome. Also called: Hereditary Cancer Syndrome; Hereditary neoplastic syndrome; Neoplastic Syndromes, Hereditary; Tumor predisposition. Identifiers: Orphanet 140162, MedGen C0027672, MeSH D009386, MONDO:0015356.

Submission:

Ambry Genetics
Classification: Uncertain significance for Hereditary cancer-predisposing syndrome. Last evaluated: 2021-02-18. Review status: criteria provided, single submitter. Criteria: Ambry Variant Classification Scheme 2023. Collection method: clinical testing. Allele origin: germline.
Comment: The p.V201L variant (also known as c.601G>C), located in coding exon 5 of the SUFU gene, results from a G to C substitution at nucleotide position 601. The valine at codon 201 is replaced by leucine, an amino acid with highly similar properties. This amino acid position is highly conserved in available vertebrate species. In addition, this alteration is predicted to be deleterious by in silico analysis. Since supporting evidence is limited at this time, the clinical significance of this alteration remains unclear.